The following is an entry in ClinVar:

ClinVar aggregate classification (germline): Pathogenic (1 of 4 stars; one submission).

Submission:

Labcorp Genetics (formerly Invitae), Labcorp
Classification: Pathogenic. Last evaluated: 2025-11-03. Review status: criteria provided, single submitter. Criteria: Invitae Variant Classification Sherloc (09022015). Collection method: clinical testing. Allele origin: germline.
Comment: This sequence change creates a premature translational stop signal (p.Ala595Cysfs*77) in the TNFAIP3 gene. It is expected to result in an absent or disrupted protein product. Loss-of-function variants in TNFAIP3 are known to be pathogenic (PMID: 26642243). This variant is not present in population databases (gnomAD no frequency). This variant has not been reported in the literature in individuals affected with TNFAIP3-related conditions. ClinVar contains an entry for this variant (Variation ID: 2842565). For these reasons, this variant has been classified as Pathogenic.

Literature cited by the submitters: PubMed 26642243.

NM_001270508.2(TNFAIP3):c.1782dup (p.Ala595fs)

Gene: TNFAIP3 (TNF alpha induced protein 3; plus strand). Cytogenetic location: 6q23.3.
Variant type: Duplication.
Coding change: c.1782dup on transcript NM_001270508.2 (MANE Select); coding-DNA position 1782, one base duplicated (T; older notation c.1782dupT).
Protein change: p.Ala595fs; shifts the reading frame from alanine 595.
Molecular consequence: frameshift variant.
Genome position (GRCh38, 1-based): chr6:137,879,227, T duplicated. VCF-style (leftmost placement, unchanged base first): chr6-137879226-C-CT. GRCh37 (hg19) VCF-style: chr6-138200363-C-CT.
Other names: c.1782dup, p.Ala595fs (NM_001270507.2, NM_006290.4); short protein forms A595fs.
Identifiers: ClinVar variation 2842565 (VCV002842565.3), dbSNP rs2482759087, ClinGen allele CA2739266185.